The following is an entry in ClinVar:

NM_001378452.1(ITPR1):c.6631C>T (p.Arg2211Ter)

Gene: ITPR1 (inositol 1,4,5-trisphosphate receptor type 1; plus strand). Cytogenetic location: 3p26.1.
Variant type: single nucleotide variant.
Coding change: c.6631C>T on transcript NM_001378452.1 (MANE Select); coding-DNA position 6631, C replaced by T.
Protein change: p.Arg2211Ter; replaces arginine 2211 with a stop codon.
Molecular consequence: nonsense.
Genome position (GRCh38, 1-based): chr3:4,787,962, C>T. VCF-style: chr3-4787962-C-T. GRCh37 (hg19) VCF-style: chr3-4829646-C-T.
Other names: c.6487C>T, p.Arg2163Ter (NM_001099952.4); c.6586C>T, p.Arg2196Ter (NM_001168272.2); c.6442C>T, p.Arg2148Ter (NM_002222.7); short protein forms R2148*, R2163*, R2196*, R2211*.
Identifiers: ClinVar variation 3611426 (VCV003611426.2).

ClinVar aggregate classification (germline): Pathogenic (1 of 4 stars; one submission).

gnomAD v4.1: 5 of 1,610,062 alleles (0.00031%); highest among the groups gnomAD compares: African/African-American, 0.0013%; no homozygotes.

Submission:

Labcorp Genetics (formerly Invitae), Labcorp
Classification: Pathogenic. Last evaluated: 2024-05-23. Review status: criteria provided, single submitter. Criteria: Invitae Variant Classification Sherloc (09022015). Collection method: clinical testing. Allele origin: germline.
Comment: This sequence change creates a premature translational stop signal (p.Arg2148*) in the ITPR1 gene. It is expected to result in an absent or disrupted protein product. Loss-of-function variants in ITPR1 are known to be pathogenic (PMID: 27108797). The frequency data for this variant in the population databases is considered unreliable, as metrics indicate poor data quality at this position in the gnomAD database. This variant has not been reported in the literature in individuals affected with ITPR1-related conditions. For these reasons, this variant has been classified as Pathogenic.

Literature cited by the submitters: PubMed 27108797.